The following is an entry in ClinVar:

NM_001369.3(DNAH5):c.11206_11207delinsCACT (p.Lys3736fs)

Gene: DNAH5 (dynein axonemal heavy chain 5; minus strand). Cytogenetic location: 5p15.2.
Variant type: Indel.
Coding change: c.11206_11207delinsCACT on transcript NM_001369.3 (MANE Select); coding-DNA positions 11206 to 11207, AA replaced by CACT.
Protein change: p.Lys3736fs; shifts the reading frame from lysine 3736.
Molecular consequence: frameshift variant.
Genome position (GRCh38, 1-based): chr5:13,751,082-13,751,083, TT replaced by AGTG on the plus strand (AA replaced by CACT on the coding strand, the reverse complement: DNAH5 is on the minus strand). VCF-style: chr5-13751082-TT-AGTG. GRCh37 (hg19) VCF-style: chr5-13751191-TT-AGTG.
Other names: short protein forms K3736fs.
Identifiers: ClinVar variation 5011145 (VCV005011145.1).

ClinVar aggregate classification (germline): Pathogenic (1 of 4 stars; one submission).

Conditions:
Primary ciliary dyskinesia 3. Identifiers: Orphanet 244, MedGen C1837618, MONDO:0012085, OMIM 608644.

Submission:

Myriad Genetics, Inc.
Classification: Pathogenic for Primary ciliary dyskinesia 3. Last evaluated: 2024-05-14. Review status: criteria provided, single submitter. Criteria: Myriad Autosomal Dominant, Autosomal Recessive and X-Linked Classification Criteria (2023). Collection method: clinical testing. Allele origin: unknown.
Comment: NM_001369.2(DNAH5):c.11206_11207delAAinsCACT(K3736Hfs*12) is expected to be pathogenic in the context of primary ciliary dyskinesia, DNAH5-related. This variant is predicted to lead to an abnormal or absent protein product due to the creation of a premature termination codon in DNAH5, a gene where loss-of-function variants are known to be pathogenic. Please note: this variant was assessed in the context of healthy population screening.